The following is an entry in ClinVar:

ClinVar aggregate classification (germline): Uncertain significance. Review status: criteria provided, multiple submitters, no conflicts (2 of 4 stars). 4 submissions from 4 submitters: Uncertain significance (4). Last evaluated 2025-03-11.

Conditions:
Inborn genetic diseases. Identifiers: MedGen C0950123, MeSH D030342.

Allele frequency attached by ClinVar (database versions not stated): gnomAD 0.00001; gnomAD exomes 0.00001; TOPMed 0.00001; ExAC 0.00004.

Submissions (4):

Ambry Genetics
Classification: Uncertain significance for Inborn genetic diseases. Last evaluated: 2025-03-11. Review status: criteria provided, single submitter. Criteria: Ambry Variant Classification Scheme 2023. Collection method: clinical testing. Allele origin: germline.
Comment: The p.K768R variant (also known as c.2303A>G), located in coding exon 1 of the SAMD9L gene, results from an A to G substitution at nucleotide position 2303. The lysine at codon 768 is replaced by arginine, an amino acid with highly similar properties. This amino acid position is conserved. In addition, the in silico prediction for this alteration is inconclusive. Based on the available evidence, the clinical significance of this variant remains unclear.

Blueprint Genetics
Classification: Uncertain significance. Last evaluated: 2024-06-28. Review status: criteria provided, single submitter. Criteria: ACMG Guidelines, 2015. Collection method: clinical testing. Allele origin: germline.

Labcorp Genetics (formerly Invitae), Labcorp
Classification: Uncertain significance. Last evaluated: 2023-01-24. Review status: criteria provided, single submitter. Criteria: Invitae Variant Classification Sherloc (09022015). Collection method: clinical testing. Allele origin: germline.
Comment: ClinVar contains an entry for this variant (Variation ID: 1802055). This variant has not been reported in the literature in individuals affected with SAMD9L-related conditions. This variant is present in population databases (rs779946147, gnomAD 0.005%). This sequence change replaces lysine, which is basic and polar, with arginine, which is basic and polar, at codon 768 of the SAMD9L protein (p.Lys768Arg). Advanced modeling of protein sequence and biophysical properties (such as structural, functional, and spatial information, amino acid conservation, physicochemical variation, residue mobility, and thermodynamic stability) performed at Invitae indicates that this missense variant is not expected to disrupt SAMD9L protein function. In summary, the available evidence is currently insufficient to determine the role of this variant in disease. Therefore, it has been classified as a Variant of Uncertain Significance.

GeneDx
Classification: Uncertain significance. Last evaluated: 2022-05-31. Review status: criteria provided, single submitter. Criteria: GeneDx Variant Classification Process June 2021. Collection method: clinical testing. Allele origin: germline. Affected: yes.
Comment: In silico analysis supports that this missense variant does not alter protein structure/function; Has not been previously published as pathogenic or benign to our knowledge; This variant is associated with the following publications: (PMID: 28545555)

NM_152703.5(SAMD9L):c.2303A>G (p.Lys768Arg)

Gene: SAMD9L (sterile alpha motif domain containing 9 like; minus strand). Cytogenetic location: 7q21.2.
Variant type: single nucleotide variant.
Coding change: c.2303A>G on transcript NM_152703.5 (MANE Select); coding-DNA position 2303, A replaced by G.
Protein change: p.Lys768Arg; replaces lysine 768 with arginine.
Molecular consequence: missense variant.
Genome position (GRCh38, 1-based): chr7:93,133,669, T>C on the plus strand (A>G on the coding strand, the complement: SAMD9L is on the minus strand). VCF-style: chr7-93133669-T-C. GRCh37 (hg19) VCF-style: chr7-92762982-T-C.
Other names: c.2303A>G, p.Lys768Arg (NM_001303496.3, NM_001303497.3, NM_001303498.3 and 5 more transcripts); c.2303A>G (NM_152703.2); short protein forms K768R.
Identifiers: ClinVar variation 1802055 (VCV001802055.6), dbSNP rs779946147, ClinGen allele CA4343608.
Genomic context (GRCh38, chr7:93,133,669, plus strand): 5'-CTATAGGTGACCAGATTGATCACTTGCTCTGCAATTTCTGCAAAATCAGTTGTCTTGTTT[T>C]TTAACACAGCACATCTGAAGTTTTTCTTTAAGTCCCAGAGAACATGCATAGCCAGTGTGG-3'
Protein context (NP_689916.2, residues 758-778): LKKNFRCAVL[Lys768Arg]NKTTDFAEIA